The following is an entry in ClinVar:

NM_004104.5(FASN):c.4760C>T (p.Ala1587Val)

Gene: FASN (fatty acid synthase; minus strand). Cytogenetic location: 17q25.3.
Variant type: single nucleotide variant.
Coding change: c.4760C>T on transcript NM_004104.5 (MANE Select); coding-DNA position 4760, C replaced by T.
Protein change: p.Ala1587Val; replaces alanine 1587 with valine.
Molecular consequence: missense variant.
Genome position (GRCh38, 1-based): chr17:82,084,521, G>A on the plus strand (C>T on the coding strand, the complement: FASN is on the minus strand). VCF-style: chr17-82084521-G-A. GRCh37 (hg19) VCF-style: chr17-80042397-G-A.
Other names: short protein forms A1587V.
Identifiers: ClinVar variation 3628645 (VCV003628645.2).

ClinVar aggregate classification (germline): Uncertain significance (1 of 4 stars; one submission).

Conditions:
Epileptic encephalopathy. Identifiers: MedGen C0543888, HP:0200134.

gnomAD v4.1: 6 of 1,609,196 alleles (0.00037%); highest among the groups gnomAD compares: Non-Finnish European, 0.00042%; no homozygotes.

Submission:

Labcorp Genetics (formerly Invitae), Labcorp
Classification: Uncertain significance for Epileptic encephalopathy. Last evaluated: 2025-02-02. Review status: criteria provided, single submitter. Criteria: Invitae Variant Classification Sherloc (09022015). Collection method: clinical testing. Allele origin: germline.
Comment: This sequence change replaces alanine, which is neutral and non-polar, with valine, which is neutral and non-polar, at codon 1587 of the FASN protein (p.Ala1587Val). This variant is not present in population databases (gnomAD no frequency). This variant has not been reported in the literature in individuals affected with FASN-related conditions. An algorithm developed to predict the effect of missense changes on protein structure and function (PolyPhen-2) suggests that this variant is likely to be disruptive. In summary, the available evidence is currently insufficient to determine the role of this variant in disease. Therefore, it has been classified as a Variant of Uncertain Significance.